The following is an entry in ClinVar:

NM_001375567.1(FOCAD):c.4225G>A (p.Ala1409Thr)

Gene: FOCAD (focadhesin; plus strand). Cytogenetic location: 9p21.3.
Variant type: single nucleotide variant.
Coding change: c.4225G>A on transcript NM_001375567.1 (MANE Select); coding-DNA position 4225, G replaced by A.
Protein change: p.Ala1409Thr; replaces alanine 1409 with threonine.
Molecular consequence: missense variant.
Genome position (GRCh38, 1-based): chr9:20,976,512, G>A. VCF-style: chr9-20976512-G-A. GRCh37 (hg19) VCF-style: chr9-20976511-G-A.
Other names: c.4120G>A, p.Ala1374Thr (NM_001375568.1, NM_001375570.1); c.4225G>A, p.Ala1409Thr (NM_017794.5); short protein forms A1374T, A1409T.
Identifiers: ClinVar variation 2714072 (VCV002714072.3), dbSNP rs1840246665, ClinGen allele CA373054709.

ClinVar aggregate classification (germline): Uncertain significance (1 of 4 stars; one submission).

Allele frequency attached by ClinVar (database versions not stated): gnomAD exomes below 0.00001; gnomAD 0.00001.
gnomAD v4.1: 3 of 1,613,134 alleles (0.00019%); highest among the groups gnomAD compares: Admixed American, 0.0017%; no homozygotes.

Submission:

Labcorp Genetics (formerly Invitae), Labcorp
Classification: Uncertain significance. Last evaluated: 2024-06-26. Review status: criteria provided, single submitter. Criteria: Invitae Variant Classification Sherloc (09022015). Collection method: clinical testing. Allele origin: germline.
Comment: This sequence change replaces alanine, which is neutral and non-polar, with threonine, which is neutral and polar, at codon 1409 of the FOCAD protein (p.Ala1409Thr). This variant is not present in population databases (gnomAD no frequency). This variant has not been reported in the literature in individuals affected with FOCAD-related conditions. Experimental studies and prediction algorithms are not available or were not evaluated, and the functional significance of this variant is currently unknown. In summary, the available evidence is currently insufficient to determine the role of this variant in disease. Therefore, it has been classified as a Variant of Uncertain Significance.